The following is an entry in ClinVar:

ClinVar aggregate classification (germline): Uncertain significance. Review status: criteria provided, multiple submitters, no conflicts (2 of 4 stars). 2 submissions from 2 submitters: Uncertain significance (2). Last evaluated 2024-05-04.

Conditions:
Familial steroid-resistant nephrotic syndrome with sensorineural deafness. Identifiers: Orphanet 280406, MedGen C3553349, MONDO:0013836, OMIM 614650.

Allele frequency attached by ClinVar (database versions not stated): gnomAD exomes below 0.00001; ExAC 0.00001.

Submissions (2):

Fulgent Genetics
Classification: Uncertain significance for Familial steroid-resistant nephrotic syndrome with sensorineural deafness. Last evaluated: 2024-05-04. Review status: criteria provided, single submitter. Criteria: ACMG Guidelines, 2015. Collection method: clinical testing. Allele origin: germline.

Labcorp Genetics (formerly Invitae), Labcorp
Classification: Uncertain significance. Last evaluated: 2022-02-09. Review status: criteria provided, single submitter. Criteria: Invitae Variant Classification Sherloc (09022015). Collection method: clinical testing. Allele origin: germline.
Comment: In summary, the available evidence is currently insufficient to determine the role of this variant in disease. Therefore, it has been classified as a Variant of Uncertain Significance. Algorithms developed to predict the effect of missense changes on protein structure and function output the following: SIFT: "Tolerated"; PolyPhen-2: "Benign"; Align-GVGD: "Class C0". The glutamine amino acid residue is found in multiple mammalian species, which suggests that this missense change does not adversely affect protein function. This variant has not been reported in the literature in individuals affected with COQ6-related conditions. This variant is present in population databases (rs764420746, gnomAD 0.007%). This sequence change replaces glutamic acid, which is acidic and polar, with glutamine, which is neutral and polar, at codon 280 of the COQ6 protein (p.Glu280Gln).

NM_182476.3(COQ6):c.838G>C (p.Glu280Gln)

Genes: COQ6 (coenzyme Q6, monooxygenase; plus strand), ENTPD5 (ectonucleoside triphosphate diphosphohydrolase 5; minus strand). Cytogenetic location: 14q24.3.
Variant type: single nucleotide variant.
Coding change: c.838G>C on transcript NM_182476.3 (MANE Select); coding-DNA position 838, G replaced by C.
Protein change: p.Glu280Gln; replaces glutamic acid 280 with glutamine.
Molecular consequence: missense variant. On other transcripts: 3 prime UTR variant (3), intron variant (4).
Genome position (GRCh38, 1-based): chr14:73,959,469, G>C. VCF-style: chr14-73959469-G-C. GRCh37 (hg19) VCF-style: chr14-74426172-G-C.
Other names: c.838G>C, p.Glu280Gln (NM_001425255.1); c.673G>C, p.Glu225Gln (NM_001425257.1); c.613G>C, p.Glu205Gln (NM_001425259.1, NM_001425260.1, NM_001425261.1); c.583G>C, p.Glu195Gln (NM_001425262.1); c.511G>C, p.Glu171Gln (NM_001425263.1); c.298G>C, p.Glu100Gln (NM_001425264.1, NM_001425265.1); c.763G>C, p.Glu255Gln (NM_182480.3); c.*61C>G (NM_001330189.2, NM_001382259.1, NM_001382260.1); and 4 more; short protein forms E280Q, E255Q.
Identifiers: ClinVar variation 1473947 (VCV001473947.8), dbSNP rs764420746, ClinGen allele CA7264347.